The following is an entry in ClinVar:

NM_014000.3(VCL):c.163G>C (p.Val55Leu)

Gene: VCL (vinculin; plus strand). Cytogenetic location: 10q22.2.
Variant type: single nucleotide variant.
Coding change: c.163G>C on transcript NM_014000.3 (MANE Select); coding-DNA position 163, G replaced by C.
Protein change: p.Val55Leu; replaces valine 55 with leucine.
Molecular consequence: missense variant.
Genome position (GRCh38, 1-based): chr10:73,998,370, G>C. VCF-style: chr10-73998370-G-C. GRCh37 (hg19) VCF-style: chr10-75758128-G-C.
Other names: c.163G>C, p.Val55Leu (NM_003373.4); short protein forms V55L.
Identifiers: ClinVar variation 1009316 (VCV001009316.8), dbSNP rs755441334, ClinGen allele CA377255535.

ClinVar aggregate classification (germline): Uncertain significance (1 of 4 stars; one submission).

Conditions:
Dilated cardiomyopathy 1W (CMD1W). Identifiers: Orphanet 154, MedGen C1969639, MONDO:0012667, OMIM 611407.

Submission:

Labcorp Genetics (formerly Invitae), Labcorp
Classification: Uncertain significance for Dilated cardiomyopathy 1W. Last evaluated: 2022-02-04. Review status: criteria provided, single submitter. Criteria: Invitae Variant Classification Sherloc (09022015). Collection method: clinical testing. Allele origin: germline.
Comment: This sequence change replaces valine, which is neutral and non-polar, with leucine, which is neutral and non-polar, at codon 55 of the VCL protein (p.Val55Leu). This variant is not present in population databases (gnomAD no frequency). In summary, the available evidence is currently insufficient to determine the role of this variant in disease. Therefore, it has been classified as a Variant of Uncertain Significance. Algorithms developed to predict the effect of missense changes on protein structure and function are either unavailable or do not agree on the potential impact of this missense change (SIFT: "Not Available"; PolyPhen-2: "Benign"; Align-GVGD: "Not Available"). ClinVar contains an entry for this variant (Variation ID: 1009316). This variant has not been reported in the literature in individuals affected with VCL-related conditions.